The following is an entry in ClinVar:

NM_005585.5(SMAD6):c.587_599del (p.Glu196fs)

Gene: SMAD6 (SMAD family member 6; plus strand). Cytogenetic location: 15q22.31.
Variant type: Deletion.
Coding change: c.587_599del on transcript NM_005585.5 (MANE Select); coding-DNA positions 587 to 599, 13 bases deleted (AGTCCCGCGGCGG).
Protein change: p.Glu196fs; shifts the reading frame from glutamic acid 196.
Molecular consequence: frameshift variant. On other transcripts: non-coding transcript variant (1).
Genome position (GRCh38, 1-based): chr15:66,703,845-66,703,857, AGTCCCGCGGCGG deleted; deleting any 13 consecutive bases within chr15:66,703,843-66,703,857 gives the same sequence; the c. name uses the placement nearest the transcript's 3' end. VCF-style (leftmost placement, unchanged base first): chr15-66703842-TGGAGTCCCGCGGC-T. GRCh37 (hg19) VCF-style: chr15-66996180-TGGAGTCCCGCGGC-T.
Other names: short protein forms E196fs.
Identifiers: ClinVar variation 4716896 (VCV004716896.1).

ClinVar aggregate classification (germline): Uncertain significance (1 of 4 stars; one submission).

Conditions:
Aortic valve disease 2 (AOVD2). Identifiers: MedGen C3542024, MONDO:0013902, OMIM 614823.

Submission:

Labcorp Genetics (formerly Invitae), Labcorp
Classification: Uncertain significance for Aortic valve disease 2. Last evaluated: 2025-04-08. Review status: criteria provided, single submitter. Criteria: Invitae Variant Classification Sherloc (09022015). Collection method: clinical testing. Allele origin: germline.
Comment: This sequence change creates a premature translational stop signal (p.Glu196Alafs*42) in the SMAD6 gene. It is expected to result in an absent or disrupted protein product. However, the current clinical and genetic evidence is not sufficient to establish whether loss-of-function variants in SMAD6 cause disease. This variant is not present in population databases (gnomAD no frequency). This variant has not been reported in the literature in individuals affected with SMAD6-related conditions. In summary, the available evidence is currently insufficient to determine the role of this variant in disease. Therefore, it has been classified as a Variant of Uncertain Significance.